The following is an entry in ClinVar:

NM_152383.5(DIS3L2):c.164C>T (p.Ser55Phe)

Gene: DIS3L2 (DIS3 like 3'-5' exoribonuclease 2; plus strand). Cytogenetic location: 2q37.1.
Variant type: single nucleotide variant.
Coding change: c.164C>T on transcript NM_152383.5 (MANE Select); coding-DNA position 164, C replaced by T.
Protein change: p.Ser55Phe; replaces serine 55 with phenylalanine.
Molecular consequence: missense variant. On other transcripts: non-coding transcript variant (2).
Genome position (GRCh38, 1-based): chr2:232,015,625, C>T. VCF-style: chr2-232015625-C-T. GRCh37 (hg19) VCF-style: chr2-232880335-C-T.
Other names: c.164C>T, p.Ser55Phe (NM_001257281.2, NM_001257282.2); short protein forms S55F.
Identifiers: ClinVar variation 843218 (VCV000843218.9), dbSNP rs1439183614, ClinGen allele CA351152042.

ClinVar aggregate classification (germline): Uncertain significance (1 of 4 stars; one submission).

Conditions:
Perlman syndrome (PRLMNS). Identifiers: Orphanet 2849, MedGen C0796113, MONDO:0009965, OMIM 267000.

Allele frequency attached by ClinVar (database versions not stated): gnomAD exomes below 0.00001; gnomAD 0.00001.
gnomAD v4.1: 3 of 1,613,760 alleles (0.00019%); highest among the groups gnomAD compares: African/African-American, 0.0027%; no homozygotes.

Submission:

Labcorp Genetics (formerly Invitae), Labcorp
Classification: Uncertain significance for Perlman syndrome. Last evaluated: 2024-02-23. Review status: criteria provided, single submitter. Criteria: Invitae Variant Classification Sherloc (09022015). Collection method: clinical testing. Allele origin: germline.
Comment: This sequence change replaces serine, which is neutral and polar, with phenylalanine, which is neutral and non-polar, at codon 55 of the DIS3L2 protein (p.Ser55Phe). This variant is present in population databases (no rsID available, gnomAD 0.007%). This variant has not been reported in the literature in individuals affected with DIS3L2-related conditions. ClinVar contains an entry for this variant (Variation ID: 843218). Algorithms developed to predict the effect of missense changes on protein structure and function output the following: SIFT: "Not Available"; PolyPhen-2: "Benign"; Align-GVGD: "Not Available". The phenylalanine amino acid residue is found in multiple mammalian species, which suggests that this missense change does not adversely affect protein function. In summary, the available evidence is currently insufficient to determine the role of this variant in disease. Therefore, it has been classified as a Variant of Uncertain Significance.